The following is an entry in ClinVar:

NM_003119.4(SPG7):c.1193G>T (p.Arg398Leu)

Gene: SPG7 (SPG7 matrix AAA peptidase subunit, paraplegin; plus strand). Cytogenetic location: 16q24.3.
Variant type: single nucleotide variant.
Coding change: c.1193G>T on transcript NM_003119.4 (MANE Select); coding-DNA position 1193, G replaced by T.
Protein change: p.Arg398Leu; replaces arginine 398 with leucine.
Molecular consequence: missense variant.
Genome position (GRCh38, 1-based): chr16:89,532,505, G>T. VCF-style: chr16-89532505-G-T. GRCh37 (hg19) VCF-style: chr16-89598913-G-T.
Other names: c.1193G>T, p.Arg398Leu (NM_001363850.1, NM_199367.3); short protein forms R398L.
Identifiers: ClinVar variation 1056934 (VCV001056934.33), dbSNP rs771782004, ClinGen allele CA8243987.
Genomic context (GRCh38, chr16:89,532,505, plus strand): 5'-CTCTCTGTGTCCCCTCAGGCCTCGGCGCTGCCCGTGTGCGGAGCCTCTTTAAGGAAGCCC[G>T]AGCCCGGGCCCCCTGCATCGTCTACATCGATGAGATCGACGCGGTGGGCAAGAAGCGCTC-3'
Protein context (NP_003110.1, residues 388-408): ARVRSLFKEA[Arg398Leu]ARAPCIVYID

ClinVar aggregate classification (germline): Uncertain significance. Review status: criteria provided, multiple submitters, no conflicts (2 of 4 stars). 3 submissions from 3 submitters: Uncertain significance (3). Last evaluated 2024-10-01.

Conditions:
Hereditary spastic paraplegia 7 (SPG7). Also called: Autosomal recessive spastic paraplegia type 7; SPASTIC PARAPLEGIA 7, AUTOSOMAL RECESSIVE, WITH OR WITHOUT CEREBELLAR ATAXIA; Spastic paraplegia 7; Hereditary spastic paraplegia Paraplegin type; SPG7-related neurologic disorder. Identifiers: Orphanet 99013, MedGen C1846564, MONDO:0011803, OMIM 607259.

gnomAD v4.1: 61 of 1,613,490 alleles (0.0038%); highest among the groups gnomAD compares: Middle Eastern, 0.033%; no homozygotes.

Submissions (3):

Labcorp Genetics (formerly Invitae), Labcorp
Classification: Uncertain significance for Hereditary spastic paraplegia 7. Last evaluated: 2024-10-01. Review status: criteria provided, single submitter. Criteria: Invitae Variant Classification Sherloc (09022015). Collection method: clinical testing. Allele origin: germline.
Comment: This sequence change replaces arginine, which is basic and polar, with leucine, which is neutral and non-polar, at codon 398 of the SPG7 protein (p.Arg398Leu). This variant is present in population databases (rs771782004, gnomAD 0.02%). This variant has not been reported in the literature in individuals affected with SPG7-related conditions. ClinVar contains an entry for this variant (Variation ID: 1056934). Invitae Evidence Modeling of protein sequence and biophysical properties (such as structural, functional, and spatial information, amino acid conservation, physicochemical variation, residue mobility, and thermodynamic stability) indicates that this missense variant is expected to disrupt SPG7 protein function with a positive predictive value of 80%. In summary, the available evidence is currently insufficient to determine the role of this variant in disease. Therefore, it has been classified as a Variant of Uncertain Significance.

Blueprint Genetics
Classification: Uncertain significance. Last evaluated: 2024-08-21. Review status: criteria provided, single submitter. Criteria: ACMG Guidelines, 2015. Collection method: clinical testing. Allele origin: germline.

CeGaT Center for Human Genetics Tuebingen
Classification: Uncertain significance. Last evaluated: 2023-08-01. Review status: criteria provided, single submitter. Criteria: CeGaT Center For Human Genetics Tuebingen Variant Classification Criteria Version 2. Collection method: clinical testing. Allele origin: germline. Affected: yes. Observed: 1 variant allele.
Comment: SPG7: PM2:Supporting